The following is an entry in ClinVar:

ClinVar aggregate classification (germline): Uncertain significance. Review status: criteria provided, multiple submitters, no conflicts (2 of 4 stars). 2 submissions from 2 submitters: Uncertain significance (2). Last evaluated 2024-05-26.

Conditions:
Hereditary cancer-predisposing syndrome. Also called: Neoplastic Syndromes, Hereditary; Tumor predisposition; Hereditary Cancer Syndrome; Hereditary neoplastic syndrome. Identifiers: Orphanet 140162, MedGen C0027672, MeSH D009386, MONDO:0015356.
Hereditary breast ovarian cancer syndrome. Also called: BRCA1- and BRCA2-Associated Hereditary Breast and Ovarian Cancer; Hereditary breast and ovarian cancer syndrome; Hereditary breast and ovarian cancer; Hereditary breast and ovarian cancer syndrome (HBOC); Breast and ovarian cancer; Hereditary breast and/or ovarian cancer syndrome. Identifiers: Orphanet 145, MedGen C0677776, MeSH D061325, MONDO:0003582. Disease mechanism: loss of function.

Allele frequency attached by ClinVar (database versions not stated): gnomAD exomes below 0.00001.
gnomAD v4.1: 1 of 1,613,946 alleles (0.000062%); highest among the groups gnomAD compares: East Asian, 0.0022%; no homozygotes.

Submissions (2):

Labcorp Genetics (formerly Invitae), Labcorp
Classification: Uncertain significance for Hereditary breast ovarian cancer syndrome. Last evaluated: 2024-05-26. Review status: criteria provided, single submitter. Criteria: Invitae Variant Classification Sherloc (09022015). Collection method: clinical testing. Allele origin: germline.
Comment: This sequence change replaces threonine, which is neutral and polar, with alanine, which is neutral and non-polar, at codon 2412 of the BRCA2 protein (p.Thr2412Ala). This variant is not present in population databases (gnomAD no frequency). This variant has not been reported in the literature in individuals affected with BRCA2-related conditions. ClinVar contains an entry for this variant (Variation ID: 231370). Advanced modeling of protein sequence and biophysical properties (such as structural, functional, and spatial information, amino acid conservation, physicochemical variation, residue mobility, and thermodynamic stability) performed at Invitae indicates that this missense variant is not expected to disrupt BRCA2 protein function with a negative predictive value of 95%. In summary, the available evidence is currently insufficient to determine the role of this variant in disease. Therefore, it has been classified as a Variant of Uncertain Significance.

Ambry Genetics
Classification: Uncertain significance for Hereditary cancer-predisposing syndrome. Last evaluated: 2016-04-19. Review status: criteria provided, single submitter. Criteria: Ambry Variant Classification Scheme 2023. Collection method: clinical testing. Allele origin: germline.
Comment: The p.T2412A variant (also known as c.7234A>G), located in coding exon 13 of the BRCA2 gene, results from an A to G substitution at nucleotide position 7234. The threonine at codon 2412 is replaced by alanine, an amino acid with similar properties. This variant was not reported in population based cohorts in the following databases: Database of Single Nucleotide Polymorphisms (dbSNP), NHLBI Exome Sequencing Project (ESP), and 1000 Genomes Project. In the ESP, this variant was not observed in 6503 samples (13006 alleles) with coverage at this position. To date, this alteration has been detected with an allele frequency of approximately 0.001% (greater than 225000 alleles tested) in our clinical cohort. This amino acid position is moderately conserved in available vertebrate species. In addition, the in silico prediction for this alteration is inconclusive. Since supporting evidence is limited at this time, the clinical significance of p.T2412A remains unclear.

NM_000059.4(BRCA2):c.7234A>G (p.Thr2412Ala)

Gene: BRCA2 (BRCA2 DNA repair associated; plus strand). Cytogenetic location: 13q13.1.
Variant type: single nucleotide variant.
Coding change: c.7234A>G on transcript NM_000059.4 (MANE Select); coding-DNA position 7234, A replaced by G.
Protein change: p.Thr2412Ala; replaces threonine 2412 with alanine.
Molecular consequence: missense variant.
Genome position (GRCh38, 1-based): chr13:32,355,087, A>G. VCF-style: chr13-32355087-A-G. GRCh37 (hg19) VCF-style: chr13-32929224-A-G.
Other names: short protein forms T2412A.
Identifiers: ClinVar variation 231370 (VCV000231370.8), dbSNP rs876659118, ClinGen allele CA10579729.
Genomic context (GRCh38, chr13:32,355,087, plus strand): 5'-AAAATGAGACACTTGATTACTACAGGCAGACCAACCAAAGTCTTTGTTCCACCTTTTAAA[A>G]CTAAATCACATTTTCACAGAGTTGAACAGTGTGTTAGGAATATTAACTTGGAGGAAAACA-3'
Protein context (NP_000050.3, residues 2402-2422): PTKVFVPPFK[Thr2412Ala]KSHFHRVEQC